The following is an entry in ClinVar:

NM_021175.4(HAMP):c.92C>T (p.Thr31Met)

Gene: HAMP (hepcidin antimicrobial peptide; plus strand). Cytogenetic location: 19q13.12.
Variant type: single nucleotide variant.
Coding change: c.92C>T on transcript NM_021175.4 (MANE Select); coding-DNA position 92, C replaced by T.
Protein change: p.Thr31Met; replaces threonine 31 with methionine.
Molecular consequence: missense variant.
Genome position (GRCh38, 1-based): chr19:35,284,790, C>T. VCF-style: chr19-35284790-C-T. GRCh37 (hg19) VCF-style: chr19-35775693-C-T.
Other names: short protein forms T31M.
Identifiers: ClinVar variation 216876 (VCV000216876.27), dbSNP rs146776859, ClinGen allele CA335665.
Genomic context (GRCh38, chr19:35,284,790, plus strand): 5'-CAGTCTCAGAGGTCCACTGGGCCCCCTGCCATCCTCTGCACCCCCTTCTGCTTTCACAGA[C>T]GGGACAACTTGCAGAGCTGCAACCCCAGGACAGAGCTGGAGCCAGGGCCAGCTGGATGGT-3'
Protein context (NP_066998.1, residues 21-41): LTSGSVFPQQ[Thr31Met]GQLAELQPQD

ClinVar aggregate classification (germline): Conflicting classifications of pathogenicity. Review status: criteria provided, conflicting classifications (1 of 4 stars). 3 submissions from 3 submitters: Uncertain significance (2); Benign (1). Last evaluated 2026-02-04.

Conditions:
Hereditary hemochromatosis (HFE). Identifiers: MedGen C0392514, MONDO:0006507. Disease mechanism: loss of function.
Hemochromatosis type 2B (HFE2B). Also called: HAMP-Related Juvenile Hemochromatosis; Juvenile-Onset Hemochromatosis. Identifiers: Orphanet 79230, MedGen C1865616, MONDO:0013220, OMIM 613313.

Allele frequency attached by ClinVar (database versions not stated): 1000 Genomes Project 30x 0.00094; 1000 Genomes Project 0.00100; TOPMed 0.00161; ESP Exome Variant Server 0.00169; gnomAD exomes 0.00259 and 0.00331; gnomAD 0.00308 and 0.00322; ExAC 0.00340.
gnomAD v4.1: 4,220 of 1,613,058 alleles (0.26%); highest among the groups gnomAD compares: Non-Finnish European, 0.25%; 14 homozygotes.

Submissions (3):

Labcorp Genetics (formerly Invitae), Labcorp
Classification: Benign for Hereditary hemochromatosis. Last evaluated: 2026-02-04. Review status: criteria provided, single submitter. Criteria: Invitae Variant Classification Sherloc (09022015). Collection method: clinical testing. Allele origin: germline.

Center for Genomic Medicine, Rigshospitalet, Copenhagen University Hospital
Classification: Uncertain significance. Last evaluated: 2025-12-29. Review status: criteria provided, single submitter. Criteria: ACMG Guidelines, 2015. Collection method: clinical testing. Allele origin: germline.

Illumina Laboratory Services, Illumina
Classification: Uncertain significance for Hemochromatosis type 2B. Last evaluated: 2017-04-27. Review status: criteria provided, single submitter. Criteria: ICSL Variant Classification Criteria 13 December 2019. Collection method: clinical testing. Allele origin: germline.
Comment: This variant was observed as part of a predisposition screen in an ostensibly healthy population. A literature search was performed for the gene, cDNA change, and amino acid change (where applicable). Publications were found based on this search. However, the evidence from the literature, in combination with allele frequency data from public databases where available, was not sufficient to rule this variant in or out of causing disease. Therefore, this variant is classified as a variant of unknown significance.

Literature cited by the submitters: PubMed 15082576 (cited by Illumina Laboratory Services, Illumina).